The following is an entry in ClinVar:

NM_001008212.2(OPTN):c.679G>A (p.Glu227Lys)

Gene: OPTN (optineurin; plus strand). Cytogenetic location: 10p13.
Variant type: single nucleotide variant.
Coding change: c.679G>A on transcript NM_001008212.2 (MANE Select); coding-DNA position 679, G replaced by A.
Protein change: p.Glu227Lys; replaces glutamic acid 227 with lysine.
Molecular consequence: missense variant.
Genome position (GRCh38, 1-based): chr10:13,118,940, G>A. VCF-style: chr10-13118940-G-A. GRCh37 (hg19) VCF-style: chr10-13160940-G-A.
Other names: c.679G>A, p.Glu227Lys (NM_001008211.1, NM_001008213.1, NM_021980.4); short protein forms E227K.
Identifiers: ClinVar variation 2037855 (VCV002037855.4), dbSNP rs368244180, ClinGen allele CA5410717.

ClinVar aggregate classification (germline): Uncertain significance (1 of 4 stars; one submission).

Conditions:
Primary open angle glaucoma (POAG). Also called: OPTN-related open angle glaucoma. Identifiers: MedGen C0339573, MONDO:0100553, OMIM 137760.
Amyotrophic lateral sclerosis type 12 (ALS12). Also called: AMYOTROPHIC LATERAL SCLEROSIS 12 WITH OR WITHOUT FRONTOTEMPORAL DEMENTIA. Identifiers: Orphanet 803, MedGen C3150692, MONDO:0013264, OMIM 613435.
Glaucoma 1, open angle, E. Identifiers: MedGen C1842026, MONDO:0007665.

Allele frequency attached by ClinVar (database versions not stated): ExAC 0.00001; TOPMed 0.00003; gnomAD 0.00004; ESP Exome Variant Server 0.00008; 1000 Genomes Project 30x 0.00047; 1000 Genomes Project 0.00060.
gnomAD v4.1: 12 of 1,613,996 alleles (0.00074%); highest among the groups gnomAD compares: East Asian, 0.0067%; no homozygotes.

Submission:

Labcorp Genetics (formerly Invitae), Labcorp
Classification: Uncertain significance for Primary open angle glaucoma; Glaucoma 1, open angle, E; Amyotrophic lateral sclerosis type 12. Last evaluated: 2022-02-01. Review status: criteria provided, single submitter. Criteria: Invitae Variant Classification Sherloc (09022015). Collection method: clinical testing. Allele origin: germline.
Comment: In summary, the available evidence is currently insufficient to determine the role of this variant in disease. Therefore, it has been classified as a Variant of Uncertain Significance. Algorithms developed to predict the effect of missense changes on protein structure and function are either unavailable or do not agree on the potential impact of this missense change (SIFT: "Deleterious"; PolyPhen-2: "Benign"; Align-GVGD: "Class C0"). This variant has not been reported in the literature in individuals affected with OPTN-related conditions. This variant is present in population databases (rs368244180, gnomAD 0.007%). This sequence change replaces glutamic acid, which is acidic and polar, with lysine, which is basic and polar, at codon 227 of the OPTN protein (p.Glu227Lys).